The following is an entry in ClinVar:

ClinVar aggregate classification (germline): Likely benign (1 of 4 stars; one submission).

Submission:

Laboratory for Molecular Medicine, Mass General Brigham Personalized Medicine
Classification: Likely benign. Last evaluated: 2015-08-26. Review status: criteria provided, single submitter. Criteria: LMM Criteria. Collection method: clinical testing. Allele origin: germline. Observed: 1 variant allele.
Comment: p.Val712Leu in exon 8 of TECTA: This variant is not expected to have clinical si gnificance due to a lack of conservation across species, including mammals. Of n ote, three mammals and 10 evolutionarily distant species (birds and reptiles) ha ve a leucine (L) at this position. In addition, computational prediction tools d o not suggest a high likelihood of impact to the protein.

NM_005422.4(TECTA):c.2134G>C (p.Val712Leu)

Genes: TBCEL-TECTA (TBCEL-TECTA readthrough; plus strand), TECTA (tectorin alpha; plus strand). Cytogenetic location: 11q23.3.
Variant type: single nucleotide variant.
Coding change: c.2134G>C on transcript NM_005422.4 (MANE Select); coding-DNA position 2134, G replaced by C.
Protein change: p.Val712Leu; replaces valine 712 with leucine.
Molecular consequence: missense variant.
Genome position (GRCh38, 1-based): chr11:121,128,111, G>C. VCF-style: chr11-121128111-G-C. GRCh37 (hg19) VCF-style: chr11-120998820-G-C.
Other names: c.3091G>C, p.Val1031Leu (NM_001378761.1); short protein forms V712L, V1031L.
Identifiers: ClinVar variation 227989 (VCV000227989.5), dbSNP rs876657587, ClinGen allele CA10576835.